The following is an entry in ClinVar:

ClinVar aggregate classification (germline): Pathogenic/Likely pathogenic. Review status: criteria provided, multiple submitters, no conflicts (2 of 4 stars). 5 submissions from 5 submitters: Pathogenic (3); Likely pathogenic (2). Last evaluated 2024-01-23.

Conditions:
Ataxia-telangiectasia syndrome (AT). Also called: LOUIS-BAR SYNDROME; ATAXIA-TELANGIECTASIA, COMPLEMENTATION GROUP A; ATAXIA-TELANGIECTASIA, FRESNO VARIANT; Ataxia-telangiectasia; Ataxia-telangiectasia, complementation group E; Cerebello-oculocutaneous telangiectasia. Identifiers: Orphanet 100, MedGen C0004135, MONDO:0008840, OMIM 208900.
Hereditary cancer-predisposing syndrome. Also called: Neoplastic Syndromes, Hereditary; Tumor predisposition; Hereditary Cancer Syndrome; Hereditary neoplastic syndrome. Identifiers: Orphanet 140162, MedGen C0027672, MeSH D009386, MONDO:0015356.
ATM-related disorder. Also called: ATM-related disorders; ATM-related condition.
Familial cancer of breast. Also called: hereditary breast carcinoma; Hereditary breast cancer; BREAST CANCER, FAMILIAL. Identifiers: Orphanet 227535, MedGen C0346153, MONDO:0016419, OMIM 114480. Disease mechanism: loss of function.

Submissions (5):

Myriad Genetics, Inc.
Classification: Pathogenic for Familial cancer of breast. Last evaluated: 2024-01-23. Review status: criteria provided, single submitter. Criteria: Myriad Autosomal Dominant, Autosomal Recessive and X-Linked Classification Criteria (2023). Collection method: clinical testing. Allele origin: unknown.
Comment: This variant is considered pathogenic. This variant creates a termination codon and is predicted to result in premature protein truncation.

Labcorp Genetics (formerly Invitae), Labcorp
Classification: Pathogenic for Ataxia-telangiectasia syndrome. Last evaluated: 2023-11-09. Review status: criteria provided, single submitter. Criteria: Invitae Variant Classification Sherloc (09022015). Collection method: clinical testing. Allele origin: germline.
Comment: This sequence change creates a premature translational stop signal (p.Leu1255*) in the ATM gene. It is expected to result in an absent or disrupted protein product. Loss-of-function variants in ATM are known to be pathogenic (PMID: 23807571, 25614872). This variant is not present in population databases (gnomAD no frequency). This premature translational stop signal has been observed in individual(s) with prostate and pancreatic cancer (PMID: 27433846, 35047863). ClinVar contains an entry for this variant (Variation ID: 860647). For these reasons, this variant has been classified as Pathogenic.

Ambry Genetics
Classification: Pathogenic for Hereditary cancer-predisposing syndrome. Last evaluated: 2023-08-10. Review status: criteria provided, single submitter. Criteria: Ambry Variant Classification Scheme 2023. Collection method: clinical testing. Allele origin: germline.
Comment: The p.L1255* pathogenic mutation (also known as c.3764T>A), located in coding exon 25 of the ATM gene, results from a T to A substitution at nucleotide position 3764. This changes the amino acid from a leucine to a stop codon within coding exon 25. This alteration is expected to result in loss of function by premature protein truncation or nonsense-mediated mRNA decay. As such, this alteration is interpreted as a disease-causing mutation.

Baylor Genetics
Classification: Likely pathogenic for Familial cancer of breast. Last evaluated: 2022-09-08. Review status: criteria provided, single submitter. Criteria: ACMG Guidelines, 2015. Collection method: clinical testing. Allele origin: unknown.

Blueprint Genetics
Classification: Likely pathogenic for ATM-related disorders. Last evaluated: 2022-01-20. Review status: criteria provided, single submitter. Criteria: ACMG Guidelines, 2015. Collection method: clinical testing. Allele origin: germline. Affected: yes. Observed: 1 variant allele.

Literature cited by the submitters: PubMed 23807571 (cited by Labcorp Genetics (formerly Invitae), Labcorp); PubMed 25614872 (cited by Labcorp Genetics (formerly Invitae), Labcorp); PubMed 27433846 (cited by Labcorp Genetics (formerly Invitae), Labcorp); PubMed 35047863 (cited by Labcorp Genetics (formerly Invitae), Labcorp and Ambry Genetics).

NM_000051.4(ATM):c.3764T>A (p.Leu1255Ter)

Gene: ATM (ATM serine/threonine kinase; plus strand). Cytogenetic location: 11q22.3.
Variant type: single nucleotide variant.
Coding change: c.3764T>A on transcript NM_000051.4 (MANE Select); coding-DNA position 3764, T replaced by A.
Protein change: p.Leu1255Ter; replaces leucine 1255 with a stop codon.
Molecular consequence: nonsense.
Genome position (GRCh38, 1-based): chr11:108,284,244, T>A. VCF-style: chr11-108284244-T-A. GRCh37 (hg19) VCF-style: chr11-108154971-T-A.
Other names: c.3764T>A, p.Leu1255Ter (NM_001351834.2); short protein forms L1255*.
Identifiers: ClinVar variation 860647 (VCV000860647.12), dbSNP rs2082374257, ClinGen allele CA382524340.